The following is an entry in ClinVar:

NM_001349253.2(SCN11A):c.3421A>G (p.Met1141Val)

Gene: SCN11A (sodium voltage-gated channel alpha subunit 11; minus strand). Cytogenetic location: 3p22.2.
Variant type: single nucleotide variant.
Coding change: c.3421A>G on transcript NM_001349253.2 (MANE Select); coding-DNA position 3421, A replaced by G.
Protein change: p.Met1141Val; replaces methionine 1141 with valine.
Molecular consequence: missense variant.
Genome position (GRCh38, 1-based): chr3:38,872,267, T>C on the plus strand (A>G on the coding strand, the complement: SCN11A is on the minus strand). VCF-style: chr3-38872267-T-C. GRCh37 (hg19) VCF-style: chr3-38913758-T-C.
Other names: p.Met1141Val; c.3421A>G, p.Met1141Val (NM_014139.3); short protein forms M1141V.
Identifiers: ClinVar variation 644563 (VCV000644563.12), dbSNP rs778367426, ClinGen allele CA2321791.

ClinVar aggregate classification (germline): Uncertain significance. Review status: criteria provided, multiple submitters, no conflicts (2 of 4 stars). 4 submissions from 4 submitters: Uncertain significance (4). Last evaluated 2026-01-22.

Conditions:
SCN11A-related disorder. Also called: SCN11A-related condition.
Hereditary sensory and autonomic neuropathy type 7. Also called: Neuropathy, hereditary sensory and autonomic, type VII; HSAN VII. Identifiers: Orphanet 391397, MedGen C3809882, MONDO:0014244, OMIM 615548.
Familial episodic pain syndrome with predominantly lower limb involvement. Also called: Episodic pain syndrome, familial, 3. Identifiers: Orphanet 391384, Orphanet 391392, MedGen C3809899, MONDO:0014247, OMIM 615552.

Allele frequency attached by ClinVar (database versions not stated): gnomAD exomes 0.00002 and 0.00004; gnomAD 0.00001; TOPMed 0.00001; ExAC 0.00002.

Submissions (4):

PreventionGenetics, part of Exact Sciences
Classification: Uncertain significance for SCN11A-related condition. Last evaluated: 2026-01-22. Review status: criteria provided, single submitter. Criteria: ACMG Guidelines, 2015. Collection method: clinical testing. Allele origin: germline.
Comment: The SCN11A c.3421A>G variant is predicted to result in the amino acid substitution p.Met1141Val. To our knowledge, this variant has not been reported in the literature. This variant is reported in 0.0039% of alleles in individuals of European (Non-Finnish) descent in gnomAD. At this time, the clinical significance of this variant is uncertain due to the absence of conclusive functional and genetic evidence.

Mayo Clinic Laboratories, Mayo Clinic
Classification: Uncertain significance. Last evaluated: 2025-01-08. Review status: criteria provided, single submitter. Criteria: ACMG Guidelines, 2015. Collection method: clinical testing. Allele origin: germline. Observed: 1 variant allele.
Comment: BS2

Labcorp Genetics (formerly Invitae), Labcorp
Classification: Uncertain significance for Familial episodic pain syndrome with predominantly lower limb involvement; Hereditary sensory and autonomic neuropathy type 7. Last evaluated: 2023-04-07. Review status: criteria provided, single submitter. Criteria: Invitae Variant Classification Sherloc (09022015). Collection method: clinical testing. Allele origin: germline.
Comment: In summary, the available evidence is currently insufficient to determine the role of this variant in disease. Therefore, it has been classified as a Variant of Uncertain Significance. Advanced modeling of protein sequence and biophysical properties (such as structural, functional, and spatial information, amino acid conservation, physicochemical variation, residue mobility, and thermodynamic stability) performed at Invitae indicates that this missense variant is not expected to disrupt SCN11A protein function. ClinVar contains an entry for this variant (Variation ID: 644563). This variant has not been reported in the literature in individuals affected with SCN11A-related conditions. This variant is present in population databases (rs778367426, gnomAD 0.004%). This sequence change replaces methionine, which is neutral and non-polar, with valine, which is neutral and non-polar, at codon 1141 of the SCN11A protein (p.Met1141Val).

Revvity Omics, Revvity
Classification: Uncertain significance. Last evaluated: 2022-06-16. Review status: criteria provided, single submitter. Criteria: ACMG Guidelines, 2015. Collection method: clinical testing. Allele origin: germline.